The following is an entry in ClinVar:

ClinVar aggregate classification (germline): Benign/Likely benign. Review status: criteria provided, multiple submitters, no conflicts (2 of 4 stars). 4 submissions from 4 submitters: Benign (1); Likely benign (3). Last evaluated 2025-10-29.

Conditions:
Melanoma-pancreatic cancer syndrome. Identifiers: Orphanet 404560, MedGen C1838547, MONDO:0011713, OMIM 606719. Disease mechanism: loss of function.
Familial melanoma. Also called: Hereditary melanoma; Hereditary cutaneous melanoma. Identifiers: Orphanet 618, MedGen C1512419, MONDO:0018961.
Hereditary cancer-predisposing syndrome. Also called: Hereditary neoplastic syndrome; Tumor predisposition; Neoplastic Syndromes, Hereditary; Hereditary Cancer Syndrome. Identifiers: Orphanet 140162, MedGen C0027672, MeSH D009386, MONDO:0015356.

Allele frequency attached by ClinVar (database versions not stated): gnomAD exomes below 0.00001.
gnomAD v4.1: 1 of 1,611,318 alleles (0.000062%); highest among the groups gnomAD compares: Non-Finnish European, 0.000085%; no homozygotes.

Submissions (4):

Labcorp Genetics (formerly Invitae), Labcorp
Classification: Likely benign for Familial melanoma. Last evaluated: 2025-10-29. Review status: criteria provided, single submitter. Criteria: Invitae Variant Classification Sherloc (09022015). Collection method: clinical testing. Allele origin: germline.

Myriad Genetics, Inc.
Classification: Benign for Melanoma-pancreatic cancer syndrome. Last evaluated: 2025-08-13. Review status: criteria provided, single submitter. Criteria: Myriad Autosomal Dominant, Autosomal Recessive and X-Linked Classification Criteria (2023). Collection method: clinical testing. Allele origin: unknown.
Comment: This variant is considered benign. This variant is a silent/synonymous amino acid change and it is not expected to impact splicing.

Ambry Genetics
Classification: Likely benign for Hereditary cancer-predisposing syndrome. Last evaluated: 2023-08-07. Review status: criteria provided, single submitter. Criteria: Ambry Variant Classification Scheme 2023. Collection method: clinical testing. Allele origin: germline.

Color Diagnostics, LLC DBA Color Health
Classification: Likely benign for Hereditary cancer-predisposing syndrome. Last evaluated: 2022-07-07. Review status: criteria provided, single submitter. Criteria: ACMG Guidelines, 2015. Collection method: clinical testing. Allele origin: germline.

NM_000077.5(CDKN2A):c.111G>A (p.Leu37=)

Gene: CDKN2A (cyclin dependent kinase inhibitor 2A; minus strand). Cytogenetic location: 9p21.3.
Variant type: single nucleotide variant.
Coding change: c.111G>A on transcript NM_000077.5; coding-DNA position 111, G replaced by A.
Protein change: p.Leu37=; no amino-acid change (leucine 37 retained).
Molecular consequence: synonymous variant (on NM_000077.6). On other transcripts: intron variant (2).
Genome position (GRCh38, 1-based): chr9:21,974,717, C>T on the plus strand (G>A on the coding strand, the complement: CDKN2A is on the minus strand). VCF-style: chr9-21974717-C-T. GRCh37 (hg19) VCF-style: chr9-21974716-C-T.
Other names: c.111G>A, p.Leu37= (NM_000077.6, NM_001195132.2, NM_058197.5); c.-3-3509G>A (NM_001363763.2); c.194-3509G>A (NM_058195.4).
Identifiers: ClinVar variation 532301 (VCV000532301.14), dbSNP rs1016841954, ClinGen allele CA190732934.
Genomic context (GRCh38, chr9:21,974,717, plus strand): 5'-CGCTGCAGACCCTCTACCCACCTGGATCGGCCTCCGACCGTAACTATTCGGTGCGTTGGG[C>T]AGCGCCCCCGCCTCCAGCAGCGCCCGCACCTCCTCTACCCGACCCCGGGCCGCGGCCGTG-3'
Protein context (NP_000068.1, residues 27-47): EVRALLEAGA[Leu37=]PNAPNSYGRR